The following is an entry in ClinVar:

NM_004519.4(KCNQ3):c.*7504C>G

Gene: KCNQ3 (potassium voltage-gated channel subfamily Q member 3; minus strand). Cytogenetic location: 8q24.22.
Variant type: single nucleotide variant.
Coding change: c.*7504C>G on transcript NM_004519.4 (MANE Select); 7504 bases downstream of the stop codon, C replaced by G.
Molecular consequence: 3 prime UTR variant.
Genome position (GRCh38, 1-based): chr8:132,121,758, G>C on the plus strand (C>G on the coding strand, the complement: KCNQ3 is on the minus strand). VCF-style: chr8-132121758-G-C. GRCh37 (hg19) VCF-style: chr8-133134005-G-C.
Other names: c.*7504C>G (NM_001204824.2).
Identifiers: ClinVar variation 361751 (VCV000361751.6), dbSNP rs532052931, ClinGen allele CA10626969.

ClinVar aggregate classification (germline): Benign (1 of 4 stars; one submission).

Conditions:
Seizures, benign familial neonatal, 2. Also called: CONVULSIONS, BENIGN FAMILIAL NEONATAL, 2; KCNQ3-Related Self-Limited Familial Neonatal Epilepsy (SLFNE); Benign Neonatal Epilepsy 2; KCNQ3-Related Benign Familial Neonatal Epilepsy; Seizures, benign neonatal, 2. Identifiers: Orphanet 1949, MedGen C1852581, MONDO:0007366, OMIM 121201.

Allele frequency attached by ClinVar (database versions not stated): gnomAD 0.00005 and 0.00012; TOPMed 0.00006; 1000 Genomes Project 0.00040; 1000 Genomes Project 30x 0.00031.
gnomAD v4.1: 18 of 152,302 alleles (0.012%); highest among the groups gnomAD compares: South Asian, 0.14%; no homozygotes.

Submission:

Illumina Laboratory Services, Illumina
Classification: Benign for Seizures, benign familial neonatal, 2. Last evaluated: 2018-01-13. Review status: criteria provided, single submitter. Criteria: ICSL Variant Classification Criteria 13 December 2019. Collection method: clinical testing. Allele origin: germline.
Comment: This variant was observed in the ICSL laboratory as part of a predisposition screen in an ostensibly healthy population. It had not been previously curated by ICSL or reported in the Human Gene Mutation Database (HGMD: prior to June 1st, 2018), and was therefore a candidate for classification through an automated scoring system. Utilizing variant allele frequency, disease prevalence and penetrance estimates, and inheritance mode, an automated score was calculated to assess if this variant is too frequent to cause the disease. Based on the score and internal cut-off values, a variant classified as benign is not then subjected to further curation. The score for this variant resulted in a classification of benign for this disease.